The following is an entry in ClinVar:

NM_001089.3(ABCA3):c.3721C>A (p.Leu1241Ile)

Gene: ABCA3 (ATP binding cassette subfamily A member 3; minus strand). Cytogenetic location: 16p13.3.
Variant type: single nucleotide variant.
Coding change: c.3721C>A on transcript NM_001089.3 (MANE Select); coding-DNA position 3721, C replaced by A.
Protein change: p.Leu1241Ile; replaces leucine 1241 with isoleucine.
Molecular consequence: missense variant.
Genome position (GRCh38, 1-based): chr16:2,284,420, G>T on the plus strand (C>A on the coding strand, the complement: ABCA3 is on the minus strand). VCF-style: chr16-2284420-G-T. GRCh37 (hg19) VCF-style: chr16-2334421-G-T.
Other names: short protein forms L1241I.
Identifiers: ClinVar variation 2444596 (VCV002444596.1), dbSNP rs141997453, ClinGen allele CA7840402.

ClinVar aggregate classification (germline): Uncertain significance (1 of 4 stars; one submission).

Allele frequency attached by ClinVar (database versions not stated): ExAC 0.00002; gnomAD 0.00005; TOPMed 0.00005; ESP Exome Variant Server 0.00015.

Submission:

GeneDx
Classification: Uncertain significance. Last evaluated: 2022-09-16. Review status: criteria provided, single submitter. Criteria: GeneDx Variant Classification Process June 2021. Collection method: clinical testing. Allele origin: germline. Affected: yes.
Comment: In silico analysis supports that this missense variant does not alter protein structure/function; Has not been previously published as pathogenic or benign to our knowledge